The following is an entry in ClinVar:

ClinVar aggregate classification (germline): Pathogenic/Likely pathogenic. Review status: criteria provided, multiple submitters, no conflicts (2 of 4 stars). 2 submissions from 2 submitters: Pathogenic (1); Likely pathogenic (1). Last evaluated 2024-04-18.

Conditions:
Medium-chain acyl-coenzyme A dehydrogenase deficiency (ACADMD). Also called: Medium chain acyl-CoA dehydrogenase deficiency; CARNITINE DEFICIENCY SECONDARY TO MEDIUM-CHAIN ACYL-CoA DEHYDROGENASE DEFICIENCY; MCAD Deficiency; MCADH DEFICIENCY; ACADM DEFICIENCY; MCADD. Identifiers: Orphanet 42, MedGen C0220710, MONDO:0008721, OMIM 201450.

Submissions (2):

Fulgent Genetics
Classification: Likely pathogenic for Medium-chain acyl-coenzyme A dehydrogenase deficiency. Last evaluated: 2024-04-18. Review status: criteria provided, single submitter. Criteria: ACMG Guidelines, 2015. Collection method: clinical testing. Allele origin: germline.

Women's Health and Genetics/Laboratory Corporation of America, LabCorp
Classification: Pathogenic for Medium-chain acyl-coenzyme A dehydrogenase deficiency. Last evaluated: 2024-04-12. Review status: criteria provided, single submitter. Criteria: LabCorp Variant Classification Summary - May 2015. Collection method: clinical testing. Allele origin: germline.
Comment: Variant summary: ACADM c.799G>C (p.Gly267Arg) results in a non-conservative amino acid change located in the Acyl-CoA dehydrogenase/oxidase, C-terminal domain (IPR009075) of the encoded protein sequence. Five of five in-silico tools predict a damaging effect of the variant on protein function. A different nucleotide change at the same location, c.799G>A, resulting in the same amino acid change (p.Gly267Arg), has been classified as pathogenic in association with Medium Chain Acyl-CoA Dehydrogenase Deficiency. The variant was absent in 251384 control chromosomes. p.Gly267Arg has been reported in the literature in individuals affected with Medium Chain Acyl-CoA Dehydrogenase Deficiency (example, Anderson_2020). The following publication have been ascertained in the context of this evaluation (PMID: 31836396). No submitters have cited clinical-significance assessments for this variant to ClinVar. Based on the evidence outlined above, the variant was classified as pathogenic.

Literature cited by the submitters: PubMed 31836396 (cited by Women's Health and Genetics/Laboratory Corporation of America, LabCorp).

NM_000016.6(ACADM):c.799G>C (p.Gly267Arg)

Gene: ACADM (acyl-CoA dehydrogenase medium chain; plus strand). Cytogenetic location: 1p31.1.
Variant type: single nucleotide variant.
Coding change: c.799G>C on transcript NM_000016.6 (MANE Select); coding-DNA position 799, G replaced by C.
Protein change: p.Gly267Arg; replaces glycine 267 with arginine.
Molecular consequence: missense variant.
Genome position (GRCh38, 1-based): chr1:75,749,509, G>C. VCF-style: chr1-75749509-G-C. GRCh37 (hg19) VCF-style: chr1-76215194-G-C.
Other names: c.811G>C, p.Gly271Arg (NM_001127328.3); c.691G>C, p.Gly231Arg (NM_001286042.2); c.898G>C, p.Gly300Arg (NM_001286043.2); c.232G>C, p.Gly78Arg (NM_001286044.2); short protein forms G231R, G267R, G271R, G300R, G78R.
Identifiers: ClinVar variation 3251329 (VCV003251329.2), dbSNP rs121434274.